The following is an entry in ClinVar:

NM_013275.6(ANKRD11):c.5663C>T (p.Ala1888Val)

Gene: ANKRD11 (ankyrin repeat domain containing 11; minus strand). Cytogenetic location: 16q24.3.
Variant type: single nucleotide variant.
Coding change: c.5663C>T on transcript NM_013275.6 (MANE Select); coding-DNA position 5663, C replaced by T.
Protein change: p.Ala1888Val; replaces alanine 1888 with valine.
Molecular consequence: missense variant.
Genome position (GRCh38, 1-based): chr16:89,280,879, G>A on the plus strand (C>T on the coding strand, the complement: ANKRD11 is on the minus strand). VCF-style: chr16-89280879-G-A. GRCh37 (hg19) VCF-style: chr16-89347287-G-A.
Other names: c.5663C>T, p.Ala1888Val (NM_001256182.2, NM_001256183.2); short protein forms A1888V.
Identifiers: ClinVar variation 3367236 (VCV003367236.1).
Genomic context (GRCh38, chr16:89,280,879, plus strand): 5'-GGAAGGGCCCCTTCGAGGGAAGGAACCAGCAGCTCGGCTCTGGGGGAAGGGGAAGGTTTT[G>A]CTTGTAAACTTGAGAAGACGCCCTCTGGAGACGGGGTGACAGTGACAACGGCAGCCGGTG-3'
Protein context (NP_037407.4, residues 1878-1898): SPEGVFSSLQ[Ala1888Val]KPSPSPRAEL

ClinVar aggregate classification (germline): Uncertain significance (1 of 4 stars; one submission).

Submission:

GeneDx
Classification: Uncertain significance. Last evaluated: 2024-01-16. Review status: criteria provided, single submitter. Criteria: GeneDx Variant Classification Process June 2021. Collection method: clinical testing. Allele origin: germline. Affected: yes.
Comment: Not observed at significant frequency in large population cohorts (gnomAD); In silico analysis supports that this missense variant does not alter protein structure/function; Has not been previously published as pathogenic or benign to our knowledge